The following is an entry in ClinVar:

NM_198586.3(NHLRC1):c.234C>G (p.Cys78Trp)

Gene: NHLRC1 (NHL repeat containing E3 ubiquitin protein ligase 1; minus strand). Cytogenetic location: 6p22.3.
Variant type: single nucleotide variant.
Coding change: c.234C>G on transcript NM_198586.3 (MANE Select); coding-DNA position 234, C replaced by G.
Protein change: p.Cys78Trp; replaces cysteine 78 with tryptophan.
Molecular consequence: missense variant.
Genome position (GRCh38, 1-based): chr6:18,122,373, G>C on the plus strand (C>G on the coding strand, the complement: NHLRC1 is on the minus strand). VCF-style: chr6-18122373-G-C. GRCh37 (hg19) VCF-style: chr6-18122604-G-C.
Other names: short protein forms C78W.
Identifiers: ClinVar variation 1061654 (VCV001061654.9), dbSNP rs755232826, ClinGen allele CA3650023.

ClinVar aggregate classification (germline): Uncertain significance (1 of 4 stars; one submission).

Conditions:
Lafora disease. Also called: Epilepsy progressive myoclonic 2; Progressive Myoclonus Epilepsy, Lafora Type. Identifiers: Orphanet 501, MedGen C0751783, MONDO:0009697.

Allele frequency attached by ClinVar (database versions not stated): TOPMed below 0.00001; gnomAD 0.00001; ExAC 0.00002; gnomAD exomes 0.00002.

Submission:

Labcorp Genetics (formerly Invitae), Labcorp
Classification: Uncertain significance for Lafora disease. Last evaluated: 2020-10-08. Review status: criteria provided, single submitter. Criteria: Invitae Variant Classification Sherloc (09022015). Collection method: clinical testing. Allele origin: germline.
Comment: In summary, the available evidence is currently insufficient to determine the role of this variant in disease. Therefore, it has been classified as a Variant of Uncertain Significance. Algorithms developed to predict the effect of missense changes on protein structure and function are either unavailable or do not agree on the potential impact of this missense change (SIFT: "Deleterious"; PolyPhen-2: "Possibly Damaging"; Align-GVGD: "Class C0"). This variant has not been reported in the literature in individuals with NHLRC1-related conditions. This variant is present in population databases (rs755232826, ExAC 0.004%). This sequence change replaces cysteine with tryptophan at codon 78 of the NHLRC1 protein (p.Cys78Trp). The cysteine residue is highly conserved and there is a large physicochemical difference between cysteine and tryptophan.